The following is an entry in ClinVar:

ClinVar aggregate classification (germline): Pathogenic (1 of 4 stars; one submission).

Conditions:
Retinitis pigmentosa 12 (RP12). Also called: RP WITH OR WITHOUT PPRPE; RP WITH OR WITHOUT PRESERVED PARAARTERIOLE RETINAL PIGMENT EPITHELIUM; RETINITIS PIGMENTOSA WITH OR WITHOUT PARAARTERIOLAR PRESERVATION OF RETINAL PIGMENT EPITHELIUM. Identifiers: Orphanet 791, MedGen C1838647, MONDO:0010818, OMIM 600105.
Leber congenital amaurosis 8 (LCA8). Identifiers: Orphanet 65, MedGen C3151202, MONDO:0013453, OMIM 613835.

Submission:

Labcorp Genetics (formerly Invitae), Labcorp
Classification: Pathogenic for Leber congenital amaurosis 8; Retinitis pigmentosa 12. Last evaluated: 2022-08-23. Review status: criteria provided, single submitter. Criteria: Invitae Variant Classification Sherloc (09022015). Collection method: clinical testing. Allele origin: germline.
Comment: ClinVar contains an entry for this variant (Variation ID: 1454892). This sequence change creates a premature translational stop signal (p.Ala245Glyfs*16) in the CRB1 gene. It is expected to result in an absent or disrupted protein product. Loss-of-function variants in CRB1 are known to be pathogenic (PMID: 10508521, 22065545, 23379534, 25412400, 26957898, 28041643, 29391521). This variant is not present in population databases (gnomAD no frequency). This premature translational stop signal has been observed in individual(s) with Leber congenital amaurosis (PMID: 29844330). For these reasons, this variant has been classified as Pathogenic.

Literature cited by the submitters: PubMed 10508521; PubMed 22065545; PubMed 23379534; PubMed 25412400; PubMed 26957898; PubMed 28041643; PubMed 29391521; PubMed 29844330.

NM_201253.3(CRB1):c.733dup (p.Ala245fs)

Gene: CRB1 (crumbs cell polarity complex component 1; plus strand). Cytogenetic location: 1q31.3.
Variant type: Duplication.
Coding change: c.733dup on transcript NM_201253.3 (MANE Select); coding-DNA position 733, one base duplicated (G; older notation c.733dupG).
Protein change: p.Ala245fs; shifts the reading frame from alanine 245.
Molecular consequence: frameshift variant. On other transcripts: non-coding transcript variant (2), intron variant (1).
Genome position (GRCh38, 1-based): chr1:197,344,361, G duplicated; the last of 5 consecutive G bases (chr1:197,344,357-197,344,361); duplicating any one gives the same sequence. VCF-style (leftmost placement, unchanged base first): chr1-197344356-T-TG. GRCh37 (hg19) VCF-style: chr1-197313486-T-TG.
Other names: c.526dup, p.Ala176fs (NM_001257965.2); c.733dup, p.Ala245fs (NM_001257966.2); c.653-12470dup (NM_001193640.2); short protein forms A176fs, A245fs.
Identifiers: ClinVar variation 1454892 (VCV001454892.6), dbSNP rs1659645978, ClinGen allele CA2573131427.